The following is an entry in ClinVar:

ClinVar aggregate classification (germline): Pathogenic (1 of 4 stars; one submission).

Submission:

Labcorp Genetics (formerly Invitae), Labcorp
Classification: Pathogenic. Last evaluated: 2025-01-23. Review status: criteria provided, single submitter. Criteria: Invitae Variant Classification Sherloc (09022015). Collection method: clinical testing. Allele origin: germline.
Comment: This sequence change creates a premature translational stop signal (p.Lys196*) in the DNAAF4 gene. It is expected to result in an absent or disrupted protein product. Loss-of-function variants in DNAAF4 are known to be pathogenic (PMID: 23872636). The frequency data for this variant in the population databases is considered unreliable, as metrics indicate poor data quality at this position in the gnomAD database. This variant has not been reported in the literature in individuals affected with DNAAF4-related conditions. For these reasons, this variant has been classified as Pathogenic.

Literature cited by the submitters: PubMed 23872636.

NM_130810.4(DNAAF4):c.586_590del (p.Ile195_Lys196insTer)

Genes: DNAAF4 (dynein axonemal assembly factor 4; minus strand), DNAAF4-CCPG1 (DNAAF4-CCPG1 readthrough (NMD candidate); minus strand). Cytogenetic location: 15q21.3.
Variant type: Microsatellite.
Coding change: c.586_590del on transcript NM_130810.4 (MANE Select); coding-DNA positions 586 to 590, 5 bases deleted (AAATA; older notation c.586_590delAAATA).
Protein change: p.Ile195_Lys196insTer.
Molecular consequence: nonsense. On other transcripts: non-coding transcript variant (1).
Genome position (GRCh38, 1-based): chr15:55,466,977-55,466,981, TATTT deleted on the plus strand (AAATA on the coding strand, the reverse complement: DNAAF4 is on the minus strand); deleting any 5 consecutive bases within chr15:55,466,977-55,466,987 gives the same sequence; the c. name uses the placement nearest the transcript's 3' end. VCF-style (leftmost placement, unchanged base first): chr15-55466976-ATATTT-A. GRCh37 (hg19) VCF-style: chr15-55759174-ATATTT-A.
Other names: c.586_590del, p.Ile195_Lys196insTer (NM_001033560.2, NM_001033559.3).
Identifiers: ClinVar variation 2916383 (VCV002916383.3), dbSNP rs760262916, ClinGen allele CA7575011.